The following is an entry in ClinVar:

NM_001267550.2(TTN):c.69140T>C (p.Val23047Ala)

Genes: TTN (titin; minus strand), TTN-AS1 (TTN antisense RNA 1; plus strand). Cytogenetic location: 2q31.2.
Variant type: single nucleotide variant.
Coding change: c.69140T>C on transcript NM_001267550.2 (MANE Select); coding-DNA position 69140, T replaced by C.
Protein change: p.Val23047Ala; replaces valine 23047 with alanine.
Molecular consequence: missense variant.
Genome position (GRCh38, 1-based): chr2:178,577,195, A>G on the plus strand (T>C on the coding strand, the complement: TTN is on the minus strand). VCF-style: chr2-178577195-A-G. GRCh37 (hg19) VCF-style: chr2-179441922-A-G.
Other names: c.64217T>C, p.Val21406Ala (NM_001256850.1); c.41945T>C, p.Val13982Ala (NM_003319.4); c.61436T>C, p.Val20479Ala (NM_133378.4); c.42320T>C, p.Val14107Ala (NM_133432.3); c.42521T>C, p.Val14174Ala (NM_133437.4); short protein forms V14107A, V20479A, V13982A, V14174A, V21406A, V23047A.
Identifiers: ClinVar variation 669771 (VCV000669771.5), dbSNP rs368697152, ClinGen allele CA1990977.

ClinVar aggregate classification (germline): Conflicting classifications of pathogenicity. Review status: criteria provided, conflicting classifications (1 of 4 stars). 3 submissions from 3 submitters: Uncertain significance (2); Likely benign (1). Last evaluated 2026-07-01.

Conditions:
Cardiovascular phenotype. Identifiers: MedGen CN230736.
TTN-related disorder. Also called: TTN-related disorders; TTN-related condition; TTN-related disease.

Allele frequency attached by ClinVar (database versions not stated): gnomAD exomes 0.00003; ExAC 0.00004; ESP Exome Variant Server 0.00008; TOPMed 0.00017; gnomAD 0.00021.
gnomAD v4.1: 74 of 1,612,874 alleles (0.0046%); highest among the groups gnomAD compares: African/African-American, 0.068%; no homozygotes.

Submissions (3):

PreventionGenetics, part of Exact Sciences
Classification: Uncertain significance for TTN-related condition. Last evaluated: 2026-07-01. Review status: criteria provided, single submitter. Criteria: ACMG Guidelines, 2015. Collection method: clinical testing. Allele origin: germline.
Comment: The TTN c.69140T>C variant is predicted to result in the amino acid substitution p.Val23047Ala. To our knowledge, this variant has not been reported in the literature. This variant is reported in 0.054% of alleles in individuals of African descent in gnomAD. Although we suspect that this variant may be benign, at this time, the clinical significance of this variant is uncertain due to the absence of conclusive functional and genetic evidence.

GeneDx
Classification: Likely benign. Last evaluated: 2020-03-27. Review status: criteria provided, single submitter. Criteria: GeneDx Variant Classification Process June 2021. Collection method: clinical testing. Allele origin: germline. Affected: yes.

Ambry Genetics
Classification: Uncertain significance for Cardiovascular phenotype. Last evaluated: 2019-07-22. Review status: criteria provided, single submitter. Criteria: Ambry Variant Classification Scheme 2023. Collection method: clinical testing. Allele origin: germline.
Comment: The p.V13982A variant (also known as c.41945T>C), located in coding exon 151 of the TTN gene, results from a T to C substitution at nucleotide position 41945. The valine at codon 13982 is replaced by alanine, an amino acid with similar properties. This amino acid position is well conserved in available vertebrate species. In addition, this alteration is predicted to be tolerated by in silico analysis. Since supporting evidence is limited at this time, the clinical significance of this alteration remains unclear.